The following is an entry in ClinVar:

ClinVar aggregate classification (germline): Pathogenic. Review status: criteria provided, multiple submitters, no conflicts (2 of 4 stars). 2 submissions from 2 submitters: Pathogenic (2). Last evaluated 2021-12-30.

Conditions:
Hereditary cancer-predisposing syndrome. Also called: Hereditary Cancer Syndrome; Hereditary neoplastic syndrome; Neoplastic Syndromes, Hereditary; Tumor predisposition. Identifiers: Orphanet 140162, MedGen C0027672, MeSH D009386, MONDO:0015356.
Cardiovascular phenotype. Identifiers: MedGen CN230736.

Submissions (2):

Mayo Clinic Laboratories, Mayo Clinic
Classification: Pathogenic. Last evaluated: 2021-12-30. Review status: criteria provided, single submitter. Criteria: ACMG Guidelines, 2015. Collection method: clinical testing. Allele origin: germline.
Comment: PP4, PM2, PVS1

Ambry Genetics
Classification: Pathogenic for Cardiovascular phenotype; Hereditary cancer-predisposing syndrome. Last evaluated: 2017-09-28. Review status: criteria provided, single submitter. Criteria: Ambry Variant Classification Scheme 2023. Collection method: clinical testing. Allele origin: germline.
Comment: The p.K480* pathogenic mutation (also known as c.1438A>T), located in coding exon 13 of the NF1 gene, results from an A to T substitution at nucleotide position 1438. This changes the amino acid from a lysine to a stop codon within coding exon 13. This alteration is expected to result in loss of function by premature protein truncation or nonsense-mediated mRNA decay. As such, this alteration is interpreted as a disease-causing mutation.

NM_001042492.3(NF1):c.1438A>T (p.Lys480Ter)

Gene: NF1 (neurofibromin 1; plus strand). Cytogenetic location: 17q11.2.
Variant type: single nucleotide variant.
Coding change: c.1438A>T on transcript NM_001042492.3 (MANE Select); coding-DNA position 1438, A replaced by T.
Protein change: p.Lys480Ter; replaces lysine 480 with a stop codon.
Molecular consequence: nonsense.
Genome position (GRCh38, 1-based): chr17:31,214,496, A>T. VCF-style: chr17-31214496-A-T. GRCh37 (hg19) VCF-style: chr17-29541514-A-T.
Other names: p.Lys480*; c.1438A>T, p.Lys480Ter (NM_000267.4, NM_001128147.3); short protein forms K480*.
Identifiers: ClinVar variation 1690366 (VCV001690366.6), dbSNP rs2143959211, ClinGen allele CA399001513.